The following is an entry in ClinVar:

NM_000179.3(MSH6):c.868del (p.Gly289_Leu290insTer)

Gene: MSH6 (mutS homolog 6; plus strand). Cytogenetic location: 2p16.3.
Variant type: Deletion.
Coding change: c.868del on transcript NM_000179.3 (MANE Select); coding-DNA position 868, one base deleted (C; older notation c.868delC).
Protein change: p.Gly289_Leu290insTer.
Molecular consequence: nonsense. On other transcripts: 5 prime UTR variant (2).
Genome position (GRCh38, 1-based): chr2:47,798,851, C deleted; the last of 2 consecutive C bases (chr2:47,798,850-47,798,851); deleting either gives the same sequence. VCF-style (leftmost placement, unchanged base first): chr2-47798849-GC-G. GRCh37 (hg19) VCF-style: chr2-48025988-GC-G.
Other names: c.478del, p.Gly159_Leu160insTer (NM_001281492.2); c.-39del (NM_001281493.2, NM_001281494.2).
Identifiers: ClinVar variation 1172057 (VCV001172057.5), dbSNP rs2104302672, ClinGen allele CA426120939.

ClinVar aggregate classification (germline): Pathogenic. Review status: criteria provided, multiple submitters, no conflicts (2 of 4 stars). 2 submissions from 2 submitters: Pathogenic (2). Last evaluated 2023-08-11.

Conditions:
Hereditary cancer-predisposing syndrome. Also called: Tumor predisposition; Hereditary neoplastic syndrome; Hereditary Cancer Syndrome; Neoplastic Syndromes, Hereditary. Identifiers: Orphanet 140162, MedGen C0027672, MeSH D009386, MONDO:0015356.
Lynch syndrome 5 (LYNCH5). Also called: Hereditary non-polyposis colorectal cancer, type 5; Colorectal cancer, hereditary nonpolyposis, type 5. Identifiers: Orphanet 144, MedGen C1833477, MONDO:0013710, OMIM 614350. Disease mechanism: loss of function.

Submissions (2):

Myriad Genetics, Inc.
Classification: Pathogenic for Lynch syndrome 5. Last evaluated: 2023-08-11. Review status: criteria provided, single submitter. Criteria: Myriad Autosomal Dominant, Autosomal Recessive and X-Linked Classification Criteria (2023). Collection method: clinical testing. Allele origin: unknown.
Comment: This variant is considered pathogenic. This variant creates a termination codon and is predicted to result in premature protein truncation.

Color Diagnostics, LLC DBA Color Health
Classification: Pathogenic for Hereditary cancer-predisposing syndrome. Last evaluated: 2023-08-03. Review status: criteria provided, single submitter. Criteria: ACMG Guidelines, 2015. Collection method: clinical testing. Allele origin: germline.
Comment: This variant changes 1 nucleotide in exon 4 of the MSH6 gene, creating a premature translation stop signal. This variant is expected to result in an absent or non-functional protein product. To our knowledge, this variant has not been reported in individuals affected with MSH6-related disorders in the literature. This variant has not been identified in the general population by the Genome Aggregation Database (gnomAD). Loss of MSH6 function is a known mechanism of disease. Based on the available evidence, this variant is classified as Pathogenic.